The following is an entry in ClinVar:

ClinVar aggregate classification (germline): Likely benign. Review status: criteria provided, multiple submitters, no conflicts (2 of 4 stars). 3 submissions from 3 submitters: Likely benign (2). 1 of the submissions does not count toward it. Last evaluated 2026-04-30.

Conditions:
Heterotopia, periventricular, X-linked dominant (PVNH1). Also called: PERIVENTRICULAR NODULAR HETEROTOPIA 1; X-linked periventricular heterotopia; PERIVENTRICULAR NODULAR HETEROTOPIA 4; HETEROTOPIA, PERIVENTRICULAR, 1. Identifiers: Orphanet 2149, Orphanet 82004, MedGen C1848213, MONDO:0010233, OMIM 300049.
Oto-palato-digital syndrome, type II (OPD2). Also called: OPD II SYNDROME; Otopalatodigital Syndrome Type 2 (FLNA-OPD2); Otopalatodigital Syndrome, Type II; FACIOPALATOOSSEOUS SYNDROME. Identifiers: Orphanet 669, Orphanet 90652, MedGen C1844696, MONDO:0010571, OMIM 304120.
Melnick-Needles syndrome (MNS). Also called: MELNICK-NEEDLES OSTEODYSPLASTY; OSTEODYSPLASTY OF MELNICK AND NEEDLES; Melnick-Needles Syndrome (FLNA-MNS). Identifiers: Orphanet 2484, MedGen C0025237, MONDO:0010650, OMIM 309350.
Frontometaphyseal dysplasia (FMD1). Identifiers: Orphanet 1826, MedGen C0265293, MONDO:0015942.
Familial thoracic aortic aneurysm and aortic dissection (TAAD). Also called: Thoracic aortic aneurysms and dissections. Identifiers: Orphanet 91387, MedGen C4707243, MONDO:0019625.

Allele frequency attached by ClinVar (database versions not stated): gnomAD exomes 0.00001 and below 0.00001; gnomAD 0.00001.
gnomAD v4.1: 2 of 1,209,113 alleles (0.00017%); highest among the groups gnomAD compares: Admixed American, 0.0044%; no homozygotes.

Submissions (3):

Ambry Genetics
Classification: Likely benign for Familial thoracic aortic aneurysm and aortic dissection. Last evaluated: 2026-04-30. Review status: criteria provided, single submitter. Criteria: Ambry Variant Classification Scheme 2023. Collection method: clinical testing. Allele origin: germline.

Labcorp Genetics (formerly Invitae), Labcorp
Classification: Likely benign for Oto-palato-digital syndrome, type II; Heterotopia, periventricular, X-linked dominant; Frontometaphyseal dysplasia; Melnick-Needles syndrome. Last evaluated: 2025-06-04. Review status: criteria provided, single submitter. Criteria: Invitae Variant Classification Sherloc (09022015). Collection method: clinical testing. Allele origin: germline.

Clinical Genomics Laboratory, Stanford Medicine
Classification: Uncertain significance for Heterotopia, periventricular, X-linked dominant. Last evaluated: 2021-06-22. Review status: no assertion criteria provided. Collection method: clinical testing. Allele origin: germline. Inheritance: X-linked inheritance. Affected: yes. Observed: 1 hemizygote. Not counted in ClinVar's aggregate classification.
Comment: The p.Ile862Val variant in the FLNA gene has not been previously reported in association with disease. The p.Ile862Val variant has been identified in 1/27,369 Latino chromosomes by the Genome Aggregation Database. While this variant was present in one individual in gnomAD, this individual is female, and this variant was not observed in any males. Given the possibility of milder phenotypes as discussed above, criteria for low frequency in the general population was applied. The FLNA gene has fewer missense variants in the general population than expected. A low rate of missense variation may suggest that this gene is intolerant to missense variation. These data were assessed using the ACMG/AMP variant interpretation guidelines. In summary, the significance of the p.Ile862Val variant is uncertain. Additional information is needed to resolve the significance of this variant. [ACMG evidence codes used: PM2; PP2]

NM_001110556.2(FLNA):c.2584A>G (p.Ile862Val)

Gene: FLNA (filamin A; minus strand). Cytogenetic location: Xq28.
Variant type: single nucleotide variant.
Coding change: c.2584A>G on transcript NM_001110556.2 (MANE Select); coding-DNA position 2584, A replaced by G.
Protein change: p.Ile862Val; replaces isoleucine 862 with valine.
Molecular consequence: missense variant.
Genome position (GRCh38, 1-based): chrX:154,362,314, T>C on the plus strand (A>G on the coding strand, the complement: FLNA is on the minus strand). VCF-style: chrX-154362314-T-C. GRCh37 (hg19) VCF-style: chrX-153590682-T-C.
Other names: p.Ile862Val; c.2584A>G, p.Ile862Val (NM_001456.4); short protein forms I862V.
Identifiers: ClinVar variation 533582 (VCV000533582.13), dbSNP rs1557178202, ClinGen allele CA415233598.